The following is an entry in ClinVar:

ClinVar aggregate classification (germline): Uncertain significance (1 of 4 stars; one submission).

Allele frequency attached by ClinVar (database versions not stated): gnomAD exomes below 0.00001; TOPMed below 0.00001; ExAC 0.00001.
gnomAD v4.1: 5 of 1,614,190 alleles (0.00031%); highest among the groups gnomAD compares: East Asian, 0.0089%; no homozygotes.

Submission:

Labcorp Genetics (formerly Invitae), Labcorp
Classification: Uncertain significance. Last evaluated: 2023-06-16. Review status: criteria provided, single submitter. Criteria: Invitae Variant Classification Sherloc (09022015). Collection method: clinical testing. Allele origin: germline.
Comment: In summary, the available evidence is currently insufficient to determine the role of this variant in disease. Therefore, it has been classified as a Variant of Uncertain Significance. Advanced modeling of protein sequence and biophysical properties (such as structural, functional, and spatial information, amino acid conservation, physicochemical variation, residue mobility, and thermodynamic stability) performed at Invitae indicates that this missense variant is not expected to disrupt DDX58 protein function. This variant has not been reported in the literature in individuals affected with DDX58-related conditions. This variant is present in population databases (rs752372329, gnomAD 0.02%). This sequence change replaces lysine, which is basic and polar, with asparagine, which is neutral and polar, at codon 356 of the DDX58 protein (p.Lys356Asn).

NM_014314.4(RIGI):c.1068A>C (p.Lys356Asn)

Gene: RIGI (RNA sensor RIG-I; minus strand). Cytogenetic location: 9p21.1.
Variant type: single nucleotide variant.
Coding change: c.1068A>C on transcript NM_014314.4 (MANE Select); coding-DNA position 1068, A replaced by C.
Protein change: p.Lys356Asn; replaces lysine 356 with asparagine.
Molecular consequence: missense variant.
Genome position (GRCh38, 1-based): chr9:32,488,089, T>G on the plus strand (A>C on the coding strand, the complement: RIGI is on the minus strand). VCF-style: chr9-32488089-T-G. GRCh37 (hg19) VCF-style: chr9-32488087-T-G.
Other names: c.1062A>C, p.Lys354Asn (NM_001385907.1); c.1068A>C, p.Lys356Asn (NM_001385909.1); c.627A>C, p.Lys209Asn (NM_001385910.1); c.459A>C, p.Lys153Asn (NM_001385912.1); c.1053A>C, p.Lys351Asn (NM_001385913.1); c.624A>C, p.Lys208Asn (NM_001385914.1); short protein forms K208N, K209N, K351N, K153N, K356N, K354N.
Identifiers: ClinVar variation 2717882 (VCV002717882.3), dbSNP rs752372329, ClinGen allele CA5019921.
Genomic context (GRCh38, chr9:32,488,089, plus strand): 5'-GTTGTGGCATTCATCAAATATCATCAAAGTAAAGATGGATAGTGATGGAATCGTTCCCTT[T>G]TTAAGGTTGTTCACAAGAATCTGTGGAGTTAAAATGATGATGTCATTGTTCTCAACAATC-3'
Protein context (NP_055129.2, residues 346-366): LTPQILVNNL[Lys356Asn]KGTIPSLSIF